The following is an entry in ClinVar:

ClinVar aggregate classification (germline): Uncertain significance. Review status: criteria provided, multiple submitters, no conflicts (2 of 4 stars). 2 submissions from 2 submitters: Uncertain significance (2). Last evaluated 2025-06-28.

Conditions:
Loeys-Dietz syndrome 2 (LDS2). Also called: TGFBR2-Related Loeys-Dietz Syndrome; AORTIC ANEURYSM, FAMILIAL THORACIC 3; MARFAN SYNDROME, TYPE II; Marfan syndrome, type 2 (formerly); Marfan like connective tissue disorder; MFS 2. Identifiers: Orphanet 284973, Orphanet 558, MedGen C2674574, MONDO:0012427, OMIM 610168.

Allele frequency attached by ClinVar (database versions not stated): gnomAD exomes below 0.00001; TOPMed below 0.00001; gnomAD 0.00001.
gnomAD v4.1: 8 of 1,612,826 alleles (0.0005%); highest among the groups gnomAD compares: East Asian, 0.0045%; no homozygotes.

Submissions (2):

Ambry Genetics
Classification: Uncertain significance. Last evaluated: 2025-06-28. Review status: criteria provided, single submitter. Criteria: Ambry Variant Classification Scheme 2023. Collection method: clinical testing. Allele origin: germline.
Comment: The p.A614V variant (also known as c.1841C>T), located in coding exon 4 of the TMPO gene, results from a C to T substitution at nucleotide position 1841. The alanine at codon 614 is replaced by valine, an amino acid with similar properties. This amino acid position is conserved. In addition, this alteration is predicted to be tolerated by in silico analysis. Since supporting evidence is limited at this time, the clinical significance of this alteration remains unclear.

Labcorp Genetics (formerly Invitae), Labcorp
Classification: Uncertain significance for Loeys-Dietz syndrome 2. Last evaluated: 2022-04-11. Review status: criteria provided, single submitter. Criteria: Invitae Variant Classification Sherloc (09022015). Collection method: clinical testing. Allele origin: germline.
Comment: This sequence change replaces alanine, which is neutral and non-polar, with valine, which is neutral and non-polar, at codon 614 of the TMPO protein (p.Ala614Val). This variant is not present in population databases (gnomAD no frequency). This variant has not been reported in the literature in individuals affected with TMPO-related conditions. ClinVar contains an entry for this variant (Variation ID: 851988). Algorithms developed to predict the effect of missense changes on protein structure and function are either unavailable or do not agree on the potential impact of this missense change (SIFT: "Tolerated"; PolyPhen-2: "Probably Damaging"; Align-GVGD: "Class C0"). In summary, the available evidence is currently insufficient to determine the role of this variant in disease. Therefore, it has been classified as a Variant of Uncertain Significance.

NM_001032283.3(TMPO):c.565+2260C>T

Gene: TMPO (thymopoietin; plus strand). Cytogenetic location: 12q23.1.
Variant type: single nucleotide variant.
Coding change: c.565+2260C>T on transcript NM_001032283.3 (MANE Select); 2260 bases into the intron after coding-DNA position 565, C replaced by T.
Molecular consequence: intron variant. On other transcripts: missense variant (1).
Genome position (GRCh38, 1-based): chr12:98,534,098, C>T. VCF-style: chr12-98534098-C-T. GRCh37 (hg19) VCF-style: chr12-98927876-C-T.
Other names: c.1841C>T, p.Ala614Val (NM_003276.2); c.565+2260C>T (NM_001307975.2, NM_001032284.3); short protein forms A614V.
Identifiers: ClinVar variation 851988 (VCV000851988.9), dbSNP rs367769644, ClinGen allele CA242225366.